The following is an entry in ClinVar:

NM_020461.4(TUBGCP6):c.3469C>T (p.Arg1157Trp)

Gene: TUBGCP6 (tubulin gamma complex component 6; minus strand). Cytogenetic location: 22q13.33.
Variant type: single nucleotide variant.
Coding change: c.3469C>T on transcript NM_020461.4 (MANE Select); coding-DNA position 3469, C replaced by T.
Protein change: p.Arg1157Trp; replaces arginine 1157 with tryptophan.
Molecular consequence: missense variant.
Genome position (GRCh38, 1-based): chr22:50,220,890, G>A on the plus strand (C>T on the coding strand, the complement: TUBGCP6 is on the minus strand). VCF-style: chr22-50220890-G-A. GRCh37 (hg19) VCF-style: chr22-50659319-G-A.
Other names: short protein forms R1157W.
Identifiers: ClinVar variation 1033531 (VCV001033531.3), dbSNP rs764568631, ClinGen allele CA10307939.

ClinVar aggregate classification (germline): Uncertain significance. Review status: criteria provided, multiple submitters, no conflicts (2 of 4 stars). 3 submissions from 3 submitters: Uncertain significance (3). Last evaluated 2022-12-01.

Conditions:
Microcephaly and chorioretinopathy 1. Also called: Microcephaly and chorioretinopathy, autosomal recessive, 1. Identifiers: MedGen C3278481, MONDO:0009624, OMIM 251270.
Inborn genetic diseases. Identifiers: MedGen C0950123, MeSH D030342.

Allele frequency attached by ClinVar (database versions not stated): gnomAD 0.00003 and 0.00004; ExAC 0.00002; gnomAD exomes 0.00002; TOPMed 0.00002.
gnomAD v4.1: 54 of 1,612,658 alleles (0.0033%); highest among the groups gnomAD compares: African/African-American, 0.0054%; no homozygotes.

Submissions (3):

Ambry Genetics
Classification: Uncertain significance for Inborn genetic diseases. Last evaluated: 2022-12-01. Review status: criteria provided, single submitter. Criteria: Ambry Variant Classification Scheme 2023. Collection method: clinical testing. Allele origin: germline.

Labcorp Genetics (formerly Invitae), Labcorp
Classification: Uncertain significance. Last evaluated: 2022-08-16. Review status: criteria provided, single submitter. Criteria: Invitae Variant Classification Sherloc (09022015). Collection method: clinical testing. Allele origin: germline.
Comment: This sequence change replaces arginine, which is basic and polar, with tryptophan, which is neutral and slightly polar, at codon 1157 of the TUBGCP6 protein (p.Arg1157Trp). This variant is present in population databases (rs764568631, gnomAD 0.004%). This variant has not been reported in the literature in individuals affected with TUBGCP6-related conditions. ClinVar contains an entry for this variant (Variation ID: 1033531). Algorithms developed to predict the effect of missense changes on protein structure and function are either unavailable or do not agree on the potential impact of this missense change (SIFT: "Deleterious"; PolyPhen-2: "Not Available"; Align-GVGD: "Class C0"). In summary, the available evidence is currently insufficient to determine the role of this variant in disease. Therefore, it has been classified as a Variant of Uncertain Significance.

Baylor Genetics
Classification: Uncertain significance for Microcephaly and chorioretinopathy 1. Last evaluated: 2018-05-30. Review status: criteria provided, single submitter. Criteria: ACMG Guidelines, 2015. Collection method: clinical testing. Allele origin: paternal. Affected: yes.
Comment: This variant was determined to be of uncertain significance according to ACMG Guidelines, 2015 [PMID:25741868].